The following is an entry in ClinVar:

ClinVar aggregate classification (germline): Uncertain significance (1 of 4 stars; one submission).

Submission:

Labcorp Genetics (formerly Invitae), Labcorp
Classification: Uncertain significance. Last evaluated: 2022-06-20. Review status: criteria provided, single submitter. Criteria: Invitae Variant Classification Sherloc (09022015). Collection method: clinical testing. Allele origin: germline.
Comment: In summary, the available evidence is currently insufficient to determine the role of this variant in disease. Therefore, it has been classified as a Variant of Uncertain Significance. Experimental studies and prediction algorithms are not available or were not evaluated, and the functional significance of this variant is currently unknown. ClinVar contains an entry for this variant (Variation ID: 860891). This variant has not been reported in the literature in individuals affected with HSPG2-related conditions. This variant is not present in population databases (gnomAD no frequency). This variant, c.6540_6545del, results in the deletion of 2 amino acid(s) of the HSPG2 protein (p.His2180_Ala2181del), but otherwise preserves the integrity of the reading frame.

NM_005529.7(HSPG2):c.6540_6545del (p.His2180_Ala2181del)

Genes: HSPG2 (heparan sulfate proteoglycan 2; minus strand), LOC126805655 (CDK7 strongly-dependent group 2 enhancer GRCh37_chr1:22178409-22179608; plus strand). Cytogenetic location: 1p36.12.
Variant type: Deletion.
Coding change: c.6540_6545del on transcript NM_005529.7 (MANE Select); coding-DNA positions 6540 to 6545, 6 bases deleted (CGCCCA; older notation c.6540_6545delCGCCCA).
Protein change: p.His2180_Ala2181del.
Molecular consequence: inframe deletion.
Genome position (GRCh38, 1-based): chr1:21,852,965-21,852,970, TGGGCG deleted on the plus strand (CGCCCA on the coding strand, the reverse complement: HSPG2 is on the minus strand); deleting any 6 consecutive bases within chr1:21,852,965-21,852,975 gives the same sequence; the c. name uses the placement nearest the transcript's 3' end. VCF-style (leftmost placement, unchanged base first): chr1-21852964-CTGGGCG-C. GRCh37 (hg19) VCF-style: chr1-22179457-CTGGGCG-C.
Other names: c.6543_6548del, p.His2181_Ala2182del (NM_001291860.2).
Identifiers: ClinVar variation 860891 (VCV000860891.12), dbSNP rs1639033064, ClinGen allele CA916082005.